The following is an entry in ClinVar:

ClinVar aggregate classification (germline): Uncertain significance (1 of 4 stars; one submission).

Allele frequency attached by ClinVar (database versions not stated): gnomAD exomes below 0.00001; TOPMed below 0.00001; gnomAD 0.00001.
gnomAD v4.1: 4 of 1,459,186 alleles (0.00027%); highest among the groups gnomAD compares: African/African-American, 0.0029%; no homozygotes.

Submission:

Labcorp Genetics (formerly Invitae), Labcorp
Classification: Uncertain significance. Last evaluated: 2023-07-09. Review status: criteria provided, single submitter. Criteria: Invitae Variant Classification Sherloc (09022015). Collection method: clinical testing. Allele origin: germline.
Comment: This sequence change replaces arginine, which is basic and polar, with histidine, which is basic and polar, at codon 97 of the GRIN2D protein (p.Arg97His). This variant is present in population databases (no rsID available, gnomAD 0.01%). This variant has not been reported in the literature in individuals affected with GRIN2D-related conditions. Advanced modeling of protein sequence and biophysical properties (such as structural, functional, and spatial information, amino acid conservation, physicochemical variation, residue mobility, and thermodynamic stability) performed at Invitae indicates that this missense variant is not expected to disrupt GRIN2D protein function. In summary, the available evidence is currently insufficient to determine the role of this variant in disease. Therefore, it has been classified as a Variant of Uncertain Significance.

NM_000836.4(GRIN2D):c.290G>A (p.Arg97His)

Gene: GRIN2D (glutamate ionotropic receptor NMDA type subunit 2D; plus strand). Cytogenetic location: 19q13.33.
Variant type: single nucleotide variant.
Coding change: c.290G>A on transcript NM_000836.4 (MANE Select); coding-DNA position 290, G replaced by A.
Protein change: p.Arg97His; replaces arginine 97 with histidine.
Molecular consequence: missense variant.
Genome position (GRCh38, 1-based): chr19:48,398,682, G>A. VCF-style: chr19-48398682-G-A. GRCh37 (hg19) VCF-style: chr19-48901939-G-A.
Other names: short protein forms R97H.
Identifiers: ClinVar variation 2782425 (VCV002782425.3), dbSNP rs1456099333, ClinGen allele CA406688838.
Genomic context (GRCh38, chr19:48,398,682, plus strand): 5'-TGCGCAGCCCGGGCCTAGACGTGCGGCCCGTGGCGCTGGTGCTCAACGGCTCGGACCCGC[G>A]CAGCCTCGTGCTGCAGCTCTGCGACCTGCTGTCGGGGTTGCGCGTGCACGGCGTGGTCTT-3'
Protein context (NP_000827.2, residues 87-107): VALVLNGSDP[Arg97His]SLVLQLCDLL